The following is an entry in ClinVar:

NM_001365276.2(TNXB):c.6810C>T (p.Arg2270=)

Gene: TNXB (tenascin XB; minus strand). Cytogenetic location: 6p21.33.
Variant type: single nucleotide variant.
Coding change: c.6810C>T on transcript NM_001365276.2 (MANE Select); coding-DNA position 6810, C replaced by T.
Protein change: p.Arg2270=; no amino-acid change (arginine 2270 retained).
Molecular consequence: synonymous variant.
Genome position (GRCh38, 1-based): chr6:32,064,852, G>A on the plus strand (C>T on the coding strand, the complement: TNXB is on the minus strand). VCF-style: chr6-32064852-G-A. GRCh37 (hg19) VCF-style: chr6-32032629-G-A.
Other names: c.6810C>T, p.Arg2270= (NM_019105.8).
Identifiers: ClinVar variation 1755580 (VCV001755580.7), dbSNP rs770116511, ClinGen allele CA3734330.
Genomic context (GRCh38, chr6:32,064,852, plus strand): 5'-CAGGGCCCAGTGCCCTACTGCACACTCACCAGTTAAACCAACAGCAGACACGGGGCCCAC[G>A]CGCTGGCCACCGTGGAAGCCGTACAGGTTCATCTTGTACTTGTGGTCTGGCTCCAGGCCC-3'
Protein context (NP_001352205.1, residues 2260-2280): MNLYGFHGGQ[Arg2270=]VGPVSAVGLT

ClinVar aggregate classification (germline): Likely benign. Review status: criteria provided, multiple submitters, no conflicts (2 of 4 stars). 3 submissions from 3 submitters: Likely benign (3). Last evaluated 2026-05-01.

Conditions:
Cardiovascular phenotype. Identifiers: MedGen CN230736.

Allele frequency attached by ClinVar (database versions not stated): ExAC 0.00001; TOPMed 0.00001; gnomAD 0.00002.
gnomAD v4.1: 54 of 1,611,076 alleles (0.0034%); highest among the groups gnomAD compares: South Asian, 0.0077%; no homozygotes.

Submissions (3):

Women's Health and Genetics/Laboratory Corporation of America, LabCorp
Classification: Likely benign. Last evaluated: 2026-05-01. Review status: criteria provided, single submitter. Criteria: LabCorp Variant Classification Summary - May 2015. Collection method: clinical testing. Allele origin: germline.

CeGaT Center for Human Genetics Tuebingen
Classification: Likely benign. Last evaluated: 2026-03-01. Review status: criteria provided, single submitter. Criteria: CeGaT Center For Human Genetics Tuebingen Variant Classification Criteria Version 2. Collection method: clinical testing. Allele origin: germline. Affected: yes. Observed: 1 variant allele.
Comment: TNXB: BP4, BP7

Ambry Genetics
Classification: Likely benign for Cardiovascular phenotype. Last evaluated: 2019-08-16. Review status: criteria provided, single submitter. Criteria: Ambry Variant Classification Scheme 2023. Collection method: clinical testing. Allele origin: germline.